The following is an entry in ClinVar:

ClinVar aggregate classification (germline): Uncertain significance (1 of 4 stars; one submission).

Submission:

Labcorp Genetics (formerly Invitae), Labcorp
Classification: Uncertain significance. Last evaluated: 2022-10-25. Review status: criteria provided, single submitter. Criteria: Invitae Variant Classification Sherloc (09022015). Collection method: clinical testing. Allele origin: germline.
Comment: This variant is not present in population databases (gnomAD no frequency). In summary, the available evidence is currently insufficient to determine the role of this variant in disease. Therefore, it has been classified as a Variant of Uncertain Significance. Algorithms developed to predict the effect of missense changes on protein structure and function are either unavailable or do not agree on the potential impact of this missense change (SIFT: "Tolerated"; PolyPhen-2: "Probably Damaging"; Align-GVGD: "Class C0"). This variant has not been reported in the literature in individuals affected with TBX20-related conditions. This sequence change replaces serine, which is neutral and polar, with tyrosine, which is neutral and polar, at codon 440 of the TBX20 protein (p.Ser440Tyr).

NM_001077653.2(TBX20):c.1319C>A (p.Ser440Tyr)

Gene: TBX20 (T-box transcription factor 20; minus strand). Cytogenetic location: 7p14.2.
Variant type: single nucleotide variant.
Coding change: c.1319C>A on transcript NM_001077653.2 (MANE Select); coding-DNA position 1319, C replaced by A.
Protein change: p.Ser440Tyr; replaces serine 440 with tyrosine.
Molecular consequence: missense variant.
Genome position (GRCh38, 1-based): chr7:35,202,455, G>T on the plus strand (C>A on the coding strand, the complement: TBX20 is on the minus strand). VCF-style: chr7-35202455-G-T. GRCh37 (hg19) VCF-style: chr7-35242067-G-T.
Other names: short protein forms S440Y.
Identifiers: ClinVar variation 2809573 (VCV002809573.3), dbSNP rs2128709386, ClinGen allele CA367262753.